The following is an entry in ClinVar:

ClinVar aggregate classification (germline): Uncertain significance. Review status: criteria provided, multiple submitters, no conflicts (2 of 4 stars). 2 submissions from 2 submitters: Uncertain significance (2). Last evaluated 2023-08-13.

Conditions:
Cardiovascular phenotype. Identifiers: MedGen CN230736.

Submissions (2):

Ambry Genetics
Classification: Uncertain significance for Cardiovascular phenotype. Last evaluated: 2023-08-13. Review status: criteria provided, single submitter. Criteria: Ambry Variant Classification Scheme 2023. Collection method: clinical testing. Allele origin: germline.
Comment: The p.Q215R variant (also known as c.644A>G), located in coding exon 1 of the HCN4 gene, results from an A to G substitution at nucleotide position 644. The glutamine at codon 215 is replaced by arginine, an amino acid with highly similar properties. This amino acid position is conserved. In addition, the in silico prediction for this alteration is inconclusive. Since supporting evidence is limited at this time, the clinical significance of this alteration remains unclear.

GeneDx
Classification: Uncertain significance. Last evaluated: 2020-02-05. Review status: criteria provided, single submitter. Criteria: GeneDx Variant Classification Process June 2021. Collection method: clinical testing. Allele origin: germline. Affected: yes.
Comment: Has not been previously published as pathogenic or benign to our knowledge; Not observed in large population cohorts (Lek et al., 2016); In silico analysis supports that this missense variant does not alter protein structure/function

NM_005477.3(HCN4):c.644A>G (p.Gln215Arg)

Gene: HCN4 (hyperpolarization activated cyclic nucleotide gated potassium channel 4; minus strand). Cytogenetic location: 15q24.1.
Variant type: single nucleotide variant.
Coding change: c.644A>G on transcript NM_005477.3 (MANE Select); coding-DNA position 644, A replaced by G.
Protein change: p.Gln215Arg; replaces glutamine 215 with arginine.
Molecular consequence: missense variant.
Genome position (GRCh38, 1-based): chr15:73,367,627, T>C on the plus strand (A>G on the coding strand, the complement: HCN4 is on the minus strand). VCF-style: chr15-73367627-T-C. GRCh37 (hg19) VCF-style: chr15-73659968-T-C.
Other names: short protein forms Q215R.
Identifiers: ClinVar variation 1302069 (VCV001302069.4), dbSNP rs2151228399, ClinGen allele CA393097373.